The following is an entry in ClinVar:

ClinVar aggregate classification (germline): Uncertain significance. Review status: criteria provided, multiple submitters, no conflicts (2 of 4 stars). 2 submissions from 2 submitters: Uncertain significance (2). Last evaluated 2025-07-16.

Conditions:
RPGRIP1L-related disorder. Also called: RPGRIP1L-related condition; RPGRIP1L-related disorders. Identifiers: MedGen CN239416.
Joubert syndrome. Also called: JOUBERT-BOLTSHAUSER SYNDROME; Familial aplasia of the vermis. Identifiers: Orphanet 475, MedGen C5979921, MONDO:0018772.
Meckel-Gruber syndrome. Also called: DYSENCEPHALIA SPLANCHNOCYSTICA; GRUBER SYNDROME; Dysencephalia splachnocystica. Identifiers: Orphanet 564, MedGen C0265215, MONDO:0018921.

Allele frequency attached by ClinVar (database versions not stated): ExAC 0.00001; gnomAD 0.00001.
gnomAD v4.1: 5 of 1,613,906 alleles (0.00031%); highest among the groups gnomAD compares: East Asian, 0.011%; no homozygotes.

Submissions (2):

Labcorp Genetics (formerly Invitae), Labcorp
Classification: Uncertain significance for Joubert syndrome; Meckel-Gruber syndrome. Last evaluated: 2025-07-16. Review status: criteria provided, single submitter. Criteria: Invitae Variant Classification Sherloc (09022015). Collection method: clinical testing. Allele origin: germline.
Comment: This sequence change replaces aspartic acid, which is acidic and polar, with histidine, which is basic and polar, at codon 59 of the RPGRIP1L protein (p.Asp59His). This variant is present in population databases (rs750355385, gnomAD 0.02%). This variant has not been reported in the literature in individuals affected with RPGRIP1L-related conditions. ClinVar contains an entry for this variant (Variation ID: 2173283). Invitae Evidence Modeling of protein sequence and biophysical properties (such as structural, functional, and spatial information, amino acid conservation, physicochemical variation, residue mobility, and thermodynamic stability) indicates that this missense variant is expected to disrupt RPGRIP1L protein function with a positive predictive value of 80%. In summary, the available evidence is currently insufficient to determine the role of this variant in disease. Therefore, it has been classified as a Variant of Uncertain Significance.

PreventionGenetics, part of Exact Sciences
Classification: Uncertain significance for RPGRIP1L-related condition. Last evaluated: 2022-11-23. Review status: criteria provided, single submitter. Criteria: ACMG Guidelines, 2015. Collection method: clinical testing. Allele origin: germline.
Comment: The RPGRIP1L c.175G>C variant is predicted to result in the amino acid substitution p.Asp59His. To our knowledge, this variant has not been reported in the literature. This variant is reported in 0.016% of alleles in individuals of East Asian descent in gnomAD. At this time, the clinical significance of this variant is uncertain due to the absence of conclusive functional and genetic evidence.

NM_015272.5(RPGRIP1L):c.175G>C (p.Asp59His)

Gene: RPGRIP1L (RPGRIP1 like; minus strand). Cytogenetic location: 16q12.2.
Variant type: single nucleotide variant.
Coding change: c.175G>C on transcript NM_015272.5 (MANE Select); coding-DNA position 175, G replaced by C.
Protein change: p.Asp59His; replaces aspartic acid 59 with histidine.
Molecular consequence: missense variant.
Genome position (GRCh38, 1-based): chr16:53,696,206, C>G on the plus strand (G>C on the coding strand, the complement: RPGRIP1L is on the minus strand). VCF-style: chr16-53696206-C-G. GRCh37 (hg19) VCF-style: chr16-53730118-C-G.
Other names: c.175G>C, p.Asp59His (NM_001127897.4, NM_001308334.3, NM_001328422.2 and 2 more transcripts); c.175G>C (NM_015272.4); short protein forms D59H.
Identifiers: ClinVar variation 2173283 (VCV002173283.3), dbSNP rs750355385, ClinGen allele CA8058195.
Genomic context (GRCh38, chr16:53,696,206, plus strand): 5'-ATAACCTTTTAATTTTATCCTCCTGCTTGCGGGCATGCTGTTTAAGTAAAATGTTCTCAT[C>G]ATGCAAACGCAAAAATCTGTCTTCCAGTTCCTCACGACTGACACGTGACACTGCCTGGCG-3'
Protein context (NP_056087.2, residues 49-69): ELEDRFLRLH[Asp59His]ENILLKQHAR